The following is an entry in ClinVar:

ClinVar aggregate classification (germline): Uncertain significance (1 of 4 stars; one submission).

gnomAD v4.1: 6 of 1,613,692 alleles (0.00037%); highest among the groups gnomAD compares: South Asian, 0.0022%; no homozygotes.

Submission:

GeneDx
Classification: Uncertain significance. Last evaluated: 2022-10-11. Review status: criteria provided, single submitter. Criteria: GeneDx Variant Classification Process June 2021. Collection method: clinical testing. Allele origin: germline. Affected: yes.
Comment: Not observed at significant frequency in large population cohorts (gnomAD); In silico analysis supports that this missense variant has a deleterious effect on protein structure/function; Has not been previously published as pathogenic or benign to our knowledge

NM_001127222.2(CACNA1A):c.4669C>T (p.Arg1557Cys)

Gene: CACNA1A (calcium voltage-gated channel subunit alpha1 A; minus strand). Cytogenetic location: 19p13.13.
Variant type: single nucleotide variant.
Coding change: c.4669C>T on transcript NM_001127222.2 (MANE Select); coding-DNA position 4669, C replaced by T.
Protein change: p.Arg1557Cys; replaces arginine 1557 with cysteine.
Molecular consequence: missense variant.
Genome position (GRCh38, 1-based): chr19:13,255,181, G>A on the plus strand (C>T on the coding strand, the complement: CACNA1A is on the minus strand). VCF-style: chr19-13255181-G-A. GRCh37 (hg19) VCF-style: chr19-13365995-G-A.
Other names: c.4681C>T, p.Arg1561Cys (NM_000068.4, NM_023035.3); c.4672C>T, p.Arg1558Cys (NM_001127221.2, NM_001174080.2); short protein forms R1557C, R1558C, R1561C.
Identifiers: ClinVar variation 2499312 (VCV002499312.1), dbSNP rs1203951299, ClinGen allele CA404338511.